The following is an entry in ClinVar:

NM_000553.6(WRN):c.2030_2035del (p.Gly677_His678del)

Gene: WRN (WRN RecQ like helicase; plus strand). Cytogenetic location: 8p12.
Variant type: Deletion.
Coding change: c.2030_2035del on transcript NM_000553.6 (MANE Select); coding-DNA positions 2030 to 2035, 6 bases deleted (GGCATG; older notation c.2030_2035delGGCATG).
Protein change: p.Gly677_His678del.
Molecular consequence: inframe deletion.
Genome position (GRCh38, 1-based): chr8:31,100,897-31,100,902, GGCATG deleted; deleting any 6 consecutive bases within chr8:31,100,896-31,100,902 gives the same sequence; the c. name uses the placement nearest the transcript's 3' end. VCF-style (leftmost placement, unchanged base first): chr8-31100895-GGGGCAT-G. GRCh37 (hg19) VCF-style: chr8-30958411-GGGGCAT-G.
Identifiers: ClinVar variation 2021249 (VCV002021249.4), dbSNP rs2535950872, ClinGen allele CA2580078202.

ClinVar aggregate classification (germline): Uncertain significance (1 of 4 stars; one submission).

Conditions:
Werner syndrome (WRN). Identifiers: Orphanet 902, MedGen C0043119, MONDO:0010196, OMIM 277700.

Submission:

Labcorp Genetics (formerly Invitae), Labcorp
Classification: Uncertain significance for Werner syndrome. Last evaluated: 2022-08-03. Review status: criteria provided, single submitter. Criteria: Invitae Variant Classification Sherloc (09022015). Collection method: clinical testing. Allele origin: germline.
Comment: In summary, the available evidence is currently insufficient to determine the role of this variant in disease. Therefore, it has been classified as a Variant of Uncertain Significance. This variant, c.2030_2035del, results in the deletion of 2 amino acid(s) of the WRN protein (p.Gly677_His678del), but otherwise preserves the integrity of the reading frame. This variant is not present in population databases (gnomAD no frequency). This variant has not been reported in the literature in individuals affected with WRN-related conditions. Experimental studies and prediction algorithms are not available or were not evaluated, and the functional significance of this variant is currently unknown.